The following is an entry in ClinVar:

ClinVar aggregate classification (germline): Conflicting classifications of pathogenicity. Review status: criteria provided, conflicting classifications (1 of 4 stars). 2 submissions from 2 submitters: Uncertain significance (1); Likely benign (1). Last evaluated 2025-10-28.

Conditions:
Cardiovascular phenotype. Identifiers: MedGen CN230736.
Dilated cardiomyopathy 1AA (CMD1AA). Also called: Cardiomyopathy, dilated, 1AA, with or without LVNC; CARDIOMYOPATHY, DILATED, 1AA, WITH OR WITHOUT LEFT VENTRICULAR NONCOMPACTION; CARDIOMYOPATHY, FAMILIAL HYPERTROPHIC, 23, WITH OR WITHOUT LEFT VENTRICULAR NONCOMPACTION. Identifiers: Orphanet 154, MedGen C2677338, MONDO:0012808, OMIM 612158.
Primary familial hypertrophic cardiomyopathy (HCM). Identifiers: Orphanet 99739, MedGen C0949658, MeSH D024741, MONDO:0024573. Inheritance: Various modes of inheritance.

Allele frequency attached by ClinVar (database versions not stated): gnomAD 0.00001; TOPMed 0.00001.
gnomAD v4.1: 18 of 1,613,886 alleles (0.0011%); highest among the groups gnomAD compares: Middle Eastern, 0.033%; no homozygotes.

Submissions (2):

Labcorp Genetics (formerly Invitae), Labcorp
Classification: Likely benign for Primary familial hypertrophic cardiomyopathy; Dilated cardiomyopathy 1AA. Last evaluated: 2025-10-28. Review status: criteria provided, single submitter. Criteria: Invitae Variant Classification Sherloc (09022015). Collection method: clinical testing. Allele origin: germline.

Ambry Genetics
Classification: Uncertain significance for Cardiovascular phenotype. Last evaluated: 2024-02-01. Review status: criteria provided, single submitter. Criteria: Ambry Variant Classification Scheme 2023. Collection method: clinical testing. Allele origin: germline.
Comment: The p.P598L variant (also known as c.1793C>T), located in coding exon 15 of the ACTN2 gene, results from a C to T substitution at nucleotide position 1793. The proline at codon 598 is replaced by leucine, an amino acid with similar properties. This alteration was reported in a childhood cardiomyopathy cohort (Bagnall RD et al. Circ Genom Precis Med, 2022 Dec;15:e003686). This amino acid position is highly conserved in available vertebrate species. In addition, this alteration is predicted to be deleterious by in silico analysis. Based on the available evidence, the clinical significance of this alteration remains unclear.

Literature cited by the submitters: PubMed 36252119 (cited by Ambry Genetics).

NM_001103.4(ACTN2):c.1793C>T (p.Pro598Leu)

Gene: ACTN2 (actinin alpha 2; plus strand). Cytogenetic location: 1q43.
Variant type: single nucleotide variant.
Coding change: c.1793C>T on transcript NM_001103.4 (MANE Select); coding-DNA position 1793, C replaced by T.
Protein change: p.Pro598Leu; replaces proline 598 with leucine.
Molecular consequence: missense variant.
Genome position (GRCh38, 1-based): chr1:236,751,606, C>T. VCF-style: chr1-236751606-C-T. GRCh37 (hg19) VCF-style: chr1-236914906-C-T.
Other names: c.1793C>T, p.Pro598Leu (NM_001278343.2); c.1169C>T, p.Pro390Leu (NM_001278344.2); c.1043C>T, p.Pro348Leu (NM_001412150.1); short protein forms P348L, P598L, P390L.
Identifiers: ClinVar variation 1780220 (VCV001780220.7), dbSNP rs767907022, ClinGen allele CA1473253.